The following is an entry in ClinVar:

ClinVar aggregate classification (germline): Uncertain significance. Review status: criteria provided, multiple submitters, no conflicts (2 of 4 stars). 3 submissions from 3 submitters: Uncertain significance (2). 1 of the submissions does not count toward it. Last evaluated 2026-01-07.

Conditions:
MAT2A-related disorder. Also called: MAT2A-related condition.
Cardiovascular phenotype. Identifiers: MedGen CN230736.
Familial thoracic aortic aneurysm and aortic dissection (TAAD). Also called: Thoracic aortic aneurysms and dissections. Identifiers: Orphanet 91387, MedGen C4707243, MONDO:0019625.

Allele frequency attached by ClinVar (database versions not stated): gnomAD 0.00003 and 0.00004; TOPMed 0.00006; gnomAD exomes 0.00007 and 0.00011; ExAC 0.00011.
gnomAD v4.1: 171 of 1,613,630 alleles (0.011%); highest among the groups gnomAD compares: Middle Eastern, 0.052%; no homozygotes.

Submissions (3):

Labcorp Genetics (formerly Invitae), Labcorp
Classification: Uncertain significance for Familial thoracic aortic aneurysm and aortic dissection. Last evaluated: 2026-01-07. Review status: criteria provided, single submitter. Criteria: Invitae Variant Classification Sherloc (09022015). Collection method: clinical testing. Allele origin: germline.
Comment: This sequence change replaces arginine, which is basic and polar, with glycine, which is neutral and non-polar, at codon 343 of the MAT2A protein (p.Arg343Gly). This variant is present in population databases (rs750105786, gnomAD 0.01%). This variant has not been reported in the literature in individuals affected with MAT2A-related conditions. ClinVar contains an entry for this variant (Variation ID: 543905). Invitae Evidence Modeling of protein sequence and biophysical properties (such as structural, functional, and spatial information, amino acid conservation, physicochemical variation, residue mobility, and thermodynamic stability) indicates that this missense variant is not expected to disrupt MAT2A protein function with a negative predictive value of 80%. In summary, the available evidence is currently insufficient to determine the role of this variant in disease. Therefore, it has been classified as a Variant of Uncertain Significance.

Ambry Genetics
Classification: Uncertain significance for Cardiovascular phenotype. Last evaluated: 2025-08-27. Review status: criteria provided, single submitter. Criteria: Ambry Variant Classification Scheme 2023. Collection method: clinical testing. Allele origin: germline.

PreventionGenetics, part of Exact Sciences
Classification: Uncertain significance for MAT2A-related condition. Last evaluated: 2024-08-13. Review status: no assertion criteria provided. Collection method: clinical testing. Allele origin: germline. Not counted in ClinVar's aggregate classification.
Comment: The MAT2A c.1027A>G variant is predicted to result in the amino acid substitution p.Arg343Gly. To our knowledge, this variant has not been reported in the literature. This variant is reported in 0.012% of alleles in individuals of European (Non-Finnish) descent in gnomAD. At this time, the clinical significance of this variant is uncertain due to the absence of conclusive functional and genetic evidence.

NM_005911.6(MAT2A):c.1027A>G (p.Arg343Gly)

Genes: GGCX (gamma-glutamyl carboxylase; minus strand), MAT2A (methionine adenosyltransferase 2A; plus strand). Cytogenetic location: 2p11.2.
Variant type: single nucleotide variant.
Coding change: c.1027A>G on transcript NM_005911.6 (MANE Select); coding-DNA position 1027, A replaced by G.
Protein change: p.Arg343Gly; replaces arginine 343 with glycine.
Molecular consequence: missense variant.
Genome position (GRCh38, 1-based): chr2:85,542,976, A>G. VCF-style: chr2-85542976-A-G. GRCh37 (hg19) VCF-style: chr2-85770099-A-G.
Other names: short protein forms R343G.
Identifiers: ClinVar variation 543905 (VCV000543905.12), dbSNP rs750105786, ClinGen allele CA1741548.